The following is an entry in ClinVar:

ClinVar aggregate classification (germline): Benign/Likely benign. Review status: criteria provided, multiple submitters, no conflicts (2 of 4 stars). 3 submissions from 3 submitters: Benign (1); Likely benign (1). 1 of the submissions does not count toward it. Last evaluated 2024-09-18.

Conditions:
DNAJC13-related disorder. Also called: DNAJC13-related condition.

Allele frequency attached by ClinVar (database versions not stated): gnomAD exomes 0.00014 and 0.00034; ExAC 0.00047; gnomAD 0.00127 and 0.00138; TOPMed 0.00136; ESP Exome Variant Server 0.00146; 1000 Genomes Project 0.00220; 1000 Genomes Project 30x 0.00250.
gnomAD v4.1: 403 of 1,613,208 alleles (0.025%); highest among the groups gnomAD compares: African/African-American, 0.49%; 1 homozygote.

Submissions (3):

Blueprint Genetics
Classification: Likely benign. Last evaluated: 2024-09-18. Review status: criteria provided, single submitter. Criteria: ACMG Guidelines, 2015. Collection method: clinical testing. Allele origin: germline.

Labcorp Genetics (formerly Invitae), Labcorp
Classification: Benign. Last evaluated: 2019-12-31. Review status: criteria provided, single submitter. Criteria: Invitae Variant Classification Sherloc (09022015). Collection method: clinical testing. Allele origin: germline.

PreventionGenetics, part of Exact Sciences
Classification: Likely benign for DNAJC13-related condition. Last evaluated: 2024-05-21. Review status: no assertion criteria provided. Collection method: clinical testing. Allele origin: germline. Not counted in ClinVar's aggregate classification.
Comment: This variant is classified as likely benign based on ACMG/AMP sequence variant interpretation guidelines (Richards et al. 2015 PMID: 25741868, with internal and published modifications).

NM_015268.4(DNAJC13):c.4305C>T (p.Leu1435=)

Gene: DNAJC13 (DnaJ heat shock protein family (Hsp40) member C13; plus strand). Cytogenetic location: 3q22.1.
Variant type: single nucleotide variant.
Coding change: c.4305C>T on transcript NM_015268.4 (MANE Select); coding-DNA position 4305, C replaced by T.
Protein change: p.Leu1435=; no amino-acid change (leucine 1435 retained).
Molecular consequence: synonymous variant.
Genome position (GRCh38, 1-based): chr3:132,499,274, C>T. VCF-style: chr3-132499274-C-T. GRCh37 (hg19) VCF-style: chr3-132218118-C-T.
Other names: c.4320C>T, p.Leu1440= (NM_001329126.2).
Identifiers: ClinVar variation 712441 (VCV000712441.6), dbSNP rs115421646, ClinGen allele CA2619506.